The following is an entry in ClinVar:

NM_001613.4(ACTA2):c.148G>A (p.Gly50Arg)

Gene: ACTA2 (actin alpha 2, smooth muscle; minus strand). Cytogenetic location: 10q23.31.
Variant type: single nucleotide variant.
Coding change: c.148G>A on transcript NM_001613.4 (MANE Select); coding-DNA position 148, G replaced by A.
Protein change: p.Gly50Arg; replaces glycine 50 with arginine.
Molecular consequence: missense variant. On other transcripts: intron variant (3).
Genome position (GRCh38, 1-based): chr10:88,947,368, C>T on the plus strand (G>A on the coding strand, the complement: ACTA2 is on the minus strand). VCF-style: chr10-88947368-C-T. GRCh37 (hg19) VCF-style: chr10-90707125-C-T.
Other names: c.148G>A, p.Gly50Arg (NM_001141945.3, NM_001320855.2, NM_001406462.1 and 4 more transcripts); c.129+1434G>A (NM_001406467.1, NM_001406468.1, NM_001406469.1); short protein forms G50R.
Identifiers: ClinVar variation 2892457 (VCV002892457.3), dbSNP rs2494571043, ClinGen allele CA377513529.

ClinVar aggregate classification (germline): Uncertain significance (1 of 4 stars; one submission).

Conditions:
Aortic aneurysm, familial thoracic 6 (AAT6). Also called: FAMILIAL THORACIC AORTIC ANEURYSM WITH LIVEDO RETICULARIS AND IRIS FLOCCULI. Identifiers: MedGen C2673186, MONDO:0012730, OMIM 611788.

Allele frequency attached by ClinVar (database versions not stated): gnomAD exomes below 0.00001.
gnomAD v4.1: 1 of 1,613,886 alleles (0.000062%); no homozygotes.

Submission:

Labcorp Genetics (formerly Invitae), Labcorp
Classification: Uncertain significance for Aortic aneurysm, familial thoracic 6. Last evaluated: 2023-10-27. Review status: criteria provided, single submitter. Criteria: Invitae Variant Classification Sherloc (09022015). Collection method: clinical testing. Allele origin: germline.
Comment: This sequence change replaces glycine, which is neutral and non-polar, with arginine, which is basic and polar, at codon 50 of the ACTA2 protein (p.Gly50Arg). This variant is not present in population databases (gnomAD no frequency). This variant has not been reported in the literature in individuals affected with ACTA2-related conditions. Advanced modeling of protein sequence and biophysical properties (such as structural, functional, and spatial information, amino acid conservation, physicochemical variation, residue mobility, and thermodynamic stability) performed at Invitae indicates that this missense variant is not expected to disrupt ACTA2 protein function with a negative predictive value of 80%. In summary, the available evidence is currently insufficient to determine the role of this variant in disease. Therefore, it has been classified as a Variant of Uncertain Significance.